The following is an entry in ClinVar:

ClinVar aggregate classification (germline): Uncertain significance (1 of 4 stars; one submission).

gnomAD v4.1: 45 of 1,581,522 alleles (0.0028%); highest among the groups gnomAD compares: Non-Finnish European, 0.0034%; no homozygotes.

Submission:

Ambry Genetics
Classification: Uncertain significance. Last evaluated: 2024-12-03. Review status: criteria provided, single submitter. Criteria: Ambry Variant Classification Scheme 2023. Collection method: clinical testing. Allele origin: germline.
Comment: The p.P700L variant (also known as c.2099C>T), located in coding exon 9 of the WNK2 gene, results from a C to T substitution at nucleotide position 2099. The proline at codon 700 is replaced by leucine, an amino acid with similar properties. This amino acid position is conserved. In addition, this alteration is predicted to be tolerated by in silico analysis. Based on the available evidence, the clinical significance of this variant remains unclear.

NM_006648.4(WNK2):c.2099C>T (p.Pro700Leu)

Gene: WNK2 (WNK lysine deficient protein kinase 2; plus strand). Cytogenetic location: 9q22.31.
Variant type: single nucleotide variant.
Coding change: c.2099C>T on transcript NM_006648.4 (MANE Select); coding-DNA position 2099, C replaced by T.
Protein change: p.Pro700Leu; replaces proline 700 with leucine.
Molecular consequence: missense variant.
Genome position (GRCh38, 1-based): chr9:93,256,363, C>T. VCF-style: chr9-93256363-C-T. GRCh37 (hg19) VCF-style: chr9-96018645-C-T.
Other names: c.2099C>T, p.Pro700Leu (NM_001282394.3); short protein forms P700L.
Identifiers: ClinVar variation 3470576 (VCV003470576.1).
Genomic context (GRCh38, chr9:93,256,363, plus strand): 5'-GCTTGCCGGTGGGCTCTGTCCCGGCCCCCGCCTGCCCTCCGTCCCTCCAGCAGCACTTCC[C>T]GGATCCGGCCATGAGCTTCGCCCCCGTGCTGCCGCCGCCCAGCACCCCCATGCCCACGGG-3'
Protein context (NP_006639.3, residues 690-710): ACPPSLQQHF[Pro700Leu]DPAMSFAPVL